The following is an entry in ClinVar:

ClinVar aggregate classification (germline): Pathogenic. Review status: criteria provided, multiple submitters, no conflicts (2 of 4 stars). 2 submissions from 2 submitters: Pathogenic (2). Last evaluated 2025-07-16.

Conditions:
Osteogenesis imperfecta type I (OI1). Also called: OI, TYPE I; OSTEOGENESIS IMPERFECTA TARDA; OSTEOGENESIS IMPERFECTA WITH BLUE SCLERAE; Osteogenesis imperfecta type 1; Classic Non-deforming Osteogenesis Imperfecta with Blue Sclerae; Lobstein's Disease. Identifiers: Orphanet 216796, Orphanet 666, MedGen C0023931, MONDO:0008146, OMIM 166200. Disease mechanism: loss of function.
Ehlers-Danlos syndrome, classic type, 1 (EDSCL1). Also called: EHLERS-DANLOS SYNDROME, GRAVIS TYPE; EHLERS-DANLOS SYNDROME, SEVERE CLASSIC TYPE; EDS I; Ehlers-Danlos Syndrome, Classic Type, COL5A1-Related; Ehlers-Danlos syndrome, type 1. Identifiers: MedGen C0268335, MONDO:0019567, OMIM 130000.
Osteogenesis imperfecta with normal sclerae, dominant form (OI4). Also called: OSTEOGENESIS IMPERFECTA, TYPE IV, WITH DENTINOGENESIS IMPERFECTA; OSTEOGENESIS IMPERFECTA WITH NORMAL SCLERAE; Osteogenesis imperfecta type 4; Common Variable Osteogenesis Imperfecta with Normal Sclerae; Osteogenesis Imperfecta Type IV. Identifiers: Orphanet 216820, Orphanet 666, MedGen C0268363, MONDO:0008148, OMIM 166220.

Submissions (2):

Clinical Biomedical Laboratory, Shriners Hospital For Children - Canada
Classification: Pathogenic for Osteogenesis imperfecta with normal sclerae, dominant form. Last evaluated: 2025-07-16. Review status: criteria provided, single submitter. Criteria: ACMG Guidelines, 2015. Collection method: clinical testing. Allele origin: germline. Affected: yes.
Comment: This variant is predicted to substitute a glycine residue by a serine residue in the alpha 2 chain of collagen type I. Glycine substitutions in the triple helical domain of collagen type I cause disruption in the formation of the triple helix in the collagen molecule and are a typical cause of osteogenesis imperfecta. This variant is absent from the Genome Aggregation Database v.2.1.1, indicating it is very rare. This variant has been reported in the literature (PMID: 17078022). Prediction tools (REVEL: 0.98) suggest that the variant is deleterious to protein function.

Labcorp Genetics (formerly Invitae), Labcorp
Classification: Pathogenic for Osteogenesis imperfecta type I; Ehlers-Danlos syndrome, classic type, 1. Last evaluated: 2024-10-17. Review status: criteria provided, single submitter. Criteria: Invitae Variant Classification Sherloc (09022015). Collection method: clinical testing. Allele origin: germline.
Comment: This sequence change replaces glycine, which is neutral and non-polar, with serine, which is neutral and polar, at codon 349 of the COL1A2 protein (p.Gly349Ser). This variant is not present in population databases (gnomAD no frequency). This missense change has been observed in individuals with autosomal dominant osteogenesis imperfecta (PMID: 17078022; internal data). ClinVar contains an entry for this variant (Variation ID: 1071307). Invitae Evidence Modeling of protein sequence and biophysical properties (such as structural, functional, and spatial information, amino acid conservation, physicochemical variation, residue mobility, and thermodynamic stability) indicates that this missense variant is expected to disrupt COL1A2 protein function with a positive predictive value of 95%. This variant disrupts the triple helix domain of COL1A2. Glycine residues within the Gly-Xaa-Yaa repeats of the triple helix domain are required for the structure and stability of fibrillar collagens (PMID: 7695699, 8218237, 19344236). In COL1A2, variants affecting these glycine residues are significantly enriched in individuals with disease (PMID: 9016532, 17078022) compared to the general population (ExAC). For these reasons, this variant has been classified as Pathogenic.

Literature cited by the submitters: PubMed 17078022 (cited by Clinical Biomedical Laboratory, Shriners Hospital For Children - Canada and Labcorp Genetics (formerly Invitae), Labcorp); PubMed 7695699 (cited by Labcorp Genetics (formerly Invitae), Labcorp); PubMed 8218237 (cited by Labcorp Genetics (formerly Invitae), Labcorp); PubMed 19344236 (cited by Labcorp Genetics (formerly Invitae), Labcorp); PubMed 9016532 (cited by Labcorp Genetics (formerly Invitae), Labcorp).

NM_000089.4(COL1A2):c.1045G>A (p.Gly349Ser)

Gene: COL1A2 (collagen type I alpha 2 chain; plus strand). Cytogenetic location: 7q21.3.
Variant type: single nucleotide variant.
Coding change: c.1045G>A on transcript NM_000089.4 (MANE Select); coding-DNA position 1045, G replaced by A.
Protein change: p.Gly349Ser; replaces glycine 349 with serine.
Molecular consequence: missense variant.
Genome position (GRCh38, 1-based): chr7:94,410,251, G>A. VCF-style: chr7-94410251-G-A. GRCh37 (hg19) VCF-style: chr7-94039563-G-A.
Other names: short protein forms G349S.
Identifiers: ClinVar variation 1071307 (VCV001071307.11), dbSNP rs66773001, ClinGen allele CA162920756.